The following is an entry in ClinVar:

ClinVar aggregate classification (germline): Uncertain significance (1 of 4 stars; one submission).

Allele frequency attached by ClinVar (database versions not stated): ExAC 0.00002; gnomAD exomes 0.00002; gnomAD 0.00004; TOPMed 0.00006.
gnomAD v4.1: 118 of 1,614,060 alleles (0.0073%); highest among the groups gnomAD compares: Non-Finnish European, 0.0094%; no homozygotes.

Submission:

Labcorp Genetics (formerly Invitae), Labcorp
Classification: Uncertain significance. Last evaluated: 2024-11-03. Review status: criteria provided, single submitter. Criteria: Invitae Variant Classification Sherloc (09022015). Collection method: clinical testing. Allele origin: germline.
Comment: This sequence change replaces glutamic acid, which is acidic and polar, with glycine, which is neutral and non-polar, at codon 713 of the DUOX2 protein (p.Glu713Gly). This variant is present in population databases (rs773744645, gnomAD 0.004%). This variant has not been reported in the literature in individuals affected with DUOX2-related conditions. ClinVar contains an entry for this variant (Variation ID: 1353679). Invitae Evidence Modeling of protein sequence and biophysical properties (such as structural, functional, and spatial information, amino acid conservation, physicochemical variation, residue mobility, and thermodynamic stability) indicates that this missense variant is expected to disrupt DUOX2 protein function with a positive predictive value of 80%. Algorithms developed to predict the effect of sequence changes on RNA splicing suggest that this variant may disrupt the consensus splice site. In summary, the available evidence is currently insufficient to determine the role of this variant in disease. Therefore, it has been classified as a Variant of Uncertain Significance.

NM_001363711.2(DUOX2):c.2138A>G (p.Glu713Gly)

Gene: DUOX2 (dual oxidase 2; minus strand). Cytogenetic location: 15q21.1.
Variant type: single nucleotide variant.
Coding change: c.2138A>G on transcript NM_001363711.2 (MANE Select); coding-DNA position 2138, A replaced by G.
Protein change: p.Glu713Gly; replaces glutamic acid 713 with glycine.
Molecular consequence: missense variant.
Genome position (GRCh38, 1-based): chr15:45,106,135, T>C on the plus strand (A>G on the coding strand, the complement: DUOX2 is on the minus strand). VCF-style: chr15-45106135-T-C. GRCh37 (hg19) VCF-style: chr15-45398333-T-C.
Other names: c.2138A>G, p.Glu713Gly (NM_014080.5); short protein forms E713G.
Identifiers: ClinVar variation 1353679 (VCV001353679.8), dbSNP rs773744645, ClinGen allele CA7538379.